The following is an entry in ClinVar:

ClinVar aggregate classification (germline): Uncertain significance (1 of 4 stars; one submission).

Submission:

CeGaT Center for Human Genetics Tuebingen
Classification: Uncertain significance. Last evaluated: 2024-01-01. Review status: criteria provided, single submitter. Criteria: CeGaT Center For Human Genetics Tuebingen Variant Classification Criteria Version 2. Collection method: clinical testing. Allele origin: germline. Affected: yes. Observed: 1 variant allele.
Comment: PLXNA2: PM2, BP4

NM_025179.4(PLXNA2):c.2098-7C>A

Gene: PLXNA2 (plexin A2; minus strand). Cytogenetic location: 1q32.2.
Variant type: single nucleotide variant.
Coding change: c.2098-7C>A on transcript NM_025179.4 (MANE Select); 7 bases into the intron before coding-DNA position 2098, C replaced by A.
Molecular consequence: intron variant.
Genome position (GRCh38, 1-based): chr1:208,084,587, G>T on the plus strand (C>A on the coding strand, the complement: PLXNA2 is on the minus strand). VCF-style: chr1-208084587-G-T. GRCh37 (hg19) VCF-style: chr1-208257932-G-T.
Identifiers: ClinVar variation 3025701 (VCV003025701.22), dbSNP rs755432724, ClinGen allele CA2740090487.